The following is an entry in ClinVar:

NM_016111.4(TELO2):c.569_570del (p.Glu190fs)

Gene: TELO2 (telomere maintenance 2; plus strand). Cytogenetic location: 16p13.3.
Variant type: Deletion.
Coding change: c.569_570del on transcript NM_016111.4 (MANE Select); coding-DNA positions 569 to 570, 2 bases deleted (AG; older notation c.569_570delAG).
Protein change: p.Glu190fs; shifts the reading frame from glutamic acid 190.
Molecular consequence: frameshift variant.
Genome position (GRCh38, 1-based): chr16:1,495,579-1,495,580, AG deleted; deleting any 2 consecutive bases within chr16:1,495,578-1,495,580 gives the same sequence; the c. name uses the placement nearest the transcript's 3' end. VCF-style (leftmost placement, unchanged base first): chr16-1495577-CGA-C. GRCh37 (hg19) VCF-style: chr16-1545578-CGA-C.
Other names: c.569_570del, p.Glu190fs (NM_001351846.2); short protein forms E190fs.
Identifiers: ClinVar variation 2980637 (VCV002980637.3), dbSNP rs1275239738, ClinGen allele CA718413625.

ClinVar aggregate classification (germline): Pathogenic (1 of 4 stars; one submission).

Submission:

Labcorp Genetics (formerly Invitae), Labcorp
Classification: Pathogenic. Last evaluated: 2023-11-24. Review status: criteria provided, single submitter. Criteria: Invitae Variant Classification Sherloc (09022015). Collection method: clinical testing. Allele origin: germline.
Comment: This sequence change creates a premature translational stop signal (p.Glu190Glyfs*89) in the TELO2 gene. It is expected to result in an absent or disrupted protein product. Loss-of-function variants in TELO2 are known to be pathogenic (PMID: 28944240). This variant is not present in population databases (gnomAD no frequency). This variant has not been reported in the literature in individuals affected with TELO2-related conditions. For these reasons, this variant has been classified as Pathogenic.

Literature cited by the submitters: PubMed 28944240.